The following is an entry in ClinVar:

ClinVar aggregate classification (germline): Uncertain significance (1 of 4 stars; one submission).

Submission:

Ambry Genetics
Classification: Uncertain significance. Last evaluated: 2024-10-20. Review status: criteria provided, single submitter. Criteria: Ambry Variant Classification Scheme 2023. Collection method: clinical testing. Allele origin: germline.
Comment: The p.V1007I variant (also known as c.3019G>A), located in coding exon 16 of the NPAT gene, results from a G to A substitution at nucleotide position 3019. The valine at codon 1007 is replaced by isoleucine, an amino acid with highly similar properties. This amino acid position is conserved. In addition, this alteration is predicted to be tolerated by in silico analysis. Based on the available evidence, the clinical significance of this variant remains unclear.

NM_002519.3(NPAT):c.3019G>A (p.Val1007Ile)

Gene: NPAT (nuclear protein, coactivator of histone transcription; minus strand). Cytogenetic location: 11q22.3.
Variant type: single nucleotide variant.
Coding change: c.3019G>A on transcript NM_002519.3 (MANE Select); coding-DNA position 3019, G replaced by A.
Protein change: p.Val1007Ile; replaces valine 1007 with isoleucine.
Molecular consequence: missense variant.
Genome position (GRCh38, 1-based): chr11:108,162,172, C>T on the plus strand (G>A on the coding strand, the complement: NPAT is on the minus strand). VCF-style: chr11-108162172-C-T. GRCh37 (hg19) VCF-style: chr11-108032899-C-T.
Other names: c.3019G>A, p.Val1007Ile (NM_001321307.1); short protein forms V1007I.
Identifiers: ClinVar variation 3407249 (VCV003407249.1).